The following is an entry in ClinVar:

NM_000455.5(STK11):c.734+14C>T

Gene: STK11 (serine/threonine kinase 11; plus strand). Cytogenetic location: 19p13.3.
Variant type: single nucleotide variant.
Coding change: c.734+14C>T on transcript NM_000455.5 (MANE Select); 14 bases into the intron after coding-DNA position 734, C replaced by T.
Molecular consequence: intron variant.
Genome position (GRCh38, 1-based): chr19:1,220,731, C>T. VCF-style: chr19-1220731-C-T. GRCh37 (hg19) VCF-style: chr19-1220730-C-T.
Identifiers: ClinVar variation 921578 (VCV000921578.9), dbSNP rs763346212, ClinGen allele CA048623.

ClinVar aggregate classification (germline): Likely benign. Review status: criteria provided, multiple submitters, no conflicts (2 of 4 stars). 3 submissions from 3 submitters: Likely benign (2). 1 of the submissions does not count toward it. Last evaluated 2024-09-10.

Conditions:
Hereditary cancer-predisposing syndrome. Also called: Hereditary Cancer Syndrome; Hereditary neoplastic syndrome; Neoplastic Syndromes, Hereditary; Tumor predisposition. Identifiers: Orphanet 140162, MedGen C0027672, MeSH D009386, MONDO:0015356.
STK11-related disorder. Also called: STK11-related condition.
Peutz-Jeghers syndrome (PJS). Also called: POLYPOSIS, HAMARTOMATOUS INTESTINAL; POLYPS-AND-SPOTS SYNDROME; Peutz-Jeghers polyposis; Periorificial lentiginosis syndrome. Identifiers: Orphanet 2869, MedGen C0031269, MeSH D010580, MONDO:0008280, OMIM 175200.

Allele frequency attached by ClinVar (database versions not stated): gnomAD exomes below 0.00001; ExAC 0.00001.
gnomAD v4.1: 2 of 1,601,808 alleles (0.00012%); highest among the groups gnomAD compares: South Asian, 0.0011%; no homozygotes.

Submissions (3):

Labcorp Genetics (formerly Invitae), Labcorp
Classification: Likely benign for Peutz-Jeghers syndrome. Last evaluated: 2024-09-10. Review status: criteria provided, single submitter. Criteria: Invitae Variant Classification Sherloc (09022015). Collection method: clinical testing. Allele origin: germline.

Color Diagnostics, LLC DBA Color Health
Classification: Likely benign for Hereditary cancer-predisposing syndrome. Last evaluated: 2018-11-29. Review status: criteria provided, single submitter. Criteria: ACMG Guidelines, 2015. Collection method: clinical testing. Allele origin: germline.

PreventionGenetics, part of Exact Sciences
Classification: Likely benign for STK11-related condition. Last evaluated: 2023-02-08. Review status: no assertion criteria provided. Collection method: clinical testing. Allele origin: germline. Not counted in ClinVar's aggregate classification.
Comment: This variant is classified as likely benign based on ACMG/AMP sequence variant interpretation guidelines (Richards et al. 2015 PMID: 25741868, with internal and published modifications).